The following is an entry in ClinVar:

ClinVar aggregate classification (germline): Uncertain significance (1 of 4 stars; one submission).

Conditions:
Cardiovascular phenotype. Identifiers: MedGen CN230736.

gnomAD v4.1: 1 of 1,613,186 alleles (0.000062%); highest among the groups gnomAD compares: Non-Finnish European, 0.000085%; no homozygotes.

Submission:

Ambry Genetics
Classification: Uncertain significance for Cardiovascular phenotype. Last evaluated: 2025-05-06. Review status: criteria provided, single submitter. Criteria: Ambry Variant Classification Scheme 2023. Collection method: clinical testing. Allele origin: germline.
Comment: The p.P88R variant (also known as c.263C>G), located in coding exon 1 of the FLNC gene, results from a C to G substitution at nucleotide position 263. The proline at codon 88 is replaced by arginine, an amino acid with dissimilar properties. This amino acid position is conserved. In addition, this alteration is predicted to be tolerated by in silico analysis. Based on the available evidence, the clinical significance of this variant remains unclear.

NM_001458.5(FLNC):c.263C>G (p.Pro88Arg)

Gene: FLNC (filamin C; plus strand). Cytogenetic location: 7q32.1.
Variant type: single nucleotide variant.
Coding change: c.263C>G on transcript NM_001458.5 (MANE Select); coding-DNA position 263, C replaced by G.
Protein change: p.Pro88Arg; replaces proline 88 with arginine.
Molecular consequence: missense variant.
Genome position (GRCh38, 1-based): chr7:128,830,900, C>G. VCF-style: chr7-128830900-C-G. GRCh37 (hg19) VCF-style: chr7-128470954-C-G.
Other names: c.263C>G, p.Pro88Arg (NM_001127487.2); short protein forms P88R.
Identifiers: ClinVar variation 4025623 (VCV004025623.1).